The following is an entry in ClinVar:

NC_000011.9:g.(?_108199738)_(108203637_?)del

Gene: ATM (ATM serine/threonine kinase; plus strand). Cytogenetic location: 11q22.3.
Variant type: Deletion.
Identifiers: ClinVar variation 3244481 (VCV003244481.1).

ClinVar aggregate classification (germline): Pathogenic (1 of 4 stars; one submission).

Conditions:
Ataxia-telangiectasia syndrome (AT). Also called: LOUIS-BAR SYNDROME; Cerebello-oculocutaneous telangiectasia; Immunodeficiency with ataxia telangiectasia; AT, COMPLEMENTATION GROUP C; Ataxia-telangiectasia, complementation group D; ATAXIA-TELANGIECTASIA, COMPLEMENTATION GROUP A. Identifiers: Orphanet 100, MedGen C0004135, MONDO:0008840, OMIM 208900.

Submission:

Labcorp Genetics (formerly Invitae), Labcorp
Classification: Pathogenic for Ataxia-telangiectasia syndrome. Last evaluated: 2023-10-30. Review status: criteria provided, single submitter. Criteria: Invitae Variant Classification Sherloc (09022015). Collection method: clinical testing. Allele origin: unknown.
Comment: This variant is a gross deletion of the genomic region encompassing exon(s) 49-53 of the ATM gene. This deletion is out-of-frame, and is expected to create a premature termination codon and result in an absent or disrupted protein product. Loss-of-function variants in ATM are known to be pathogenic (PMID: 23807571, 25614872). This variant has not been reported in the literature in individuals affected with ATM-related conditions. For these reasons, this variant has been classified as Pathogenic.

Literature cited by the submitters: PubMed 23807571; PubMed 25614872.